The following is an entry in ClinVar:

NM_005027.4(PIK3R2):c.1842C>T (p.Leu614=)

Gene: PIK3R2 (phosphoinositide-3-kinase regulatory subunit 2; plus strand). Cytogenetic location: 19p13.11.
Variant type: single nucleotide variant.
Coding change: c.1842C>T on transcript NM_005027.4 (MANE Select); coding-DNA position 1842, C replaced by T.
Protein change: p.Leu614=; no amino-acid change (leucine 614 retained).
Molecular consequence: synonymous variant. On other transcripts: non-coding transcript variant (2).
Genome position (GRCh38, 1-based): chr19:18,168,759, C>T. VCF-style: chr19-18168759-C-T. GRCh37 (hg19) VCF-style: chr19-18279569-C-T.
Other names: c.1842C>T (NM_005027.3).
Identifiers: ClinVar variation 2147435 (VCV002147435.28), dbSNP rs372618269, ClinGen allele CA9307170.

ClinVar aggregate classification (germline): Likely benign. Review status: criteria provided, multiple submitters, no conflicts (2 of 4 stars). 3 submissions from 3 submitters: Likely benign (2). 1 of the submissions does not count toward it. Last evaluated 2025-12-19.

Conditions:
PIK3R2-related disorder. Also called: PIK3R2-related condition.
Megalencephaly-polymicrogyria-postaxial polydactyly-hydrocephalus syndrome. Also called: MEG-PMG-MEGACC SYNDROME; MPPH Syndrome. Identifiers: Orphanet 83473, MedGen C1863924, MONDO:0019375.

Allele frequency attached by ClinVar (database versions not stated): TOPMed 0.00005; ExAC 0.00008; ESP Exome Variant Server 0.00008.

Submissions (3):

Labcorp Genetics (formerly Invitae), Labcorp
Classification: Likely benign for Megalencephaly-polymicrogyria-postaxial polydactyly-hydrocephalus syndrome. Last evaluated: 2025-12-19. Review status: criteria provided, single submitter. Criteria: Invitae Variant Classification Sherloc (09022015). Collection method: clinical testing. Allele origin: germline.

CeGaT Center for Human Genetics Tuebingen
Classification: Likely benign. Last evaluated: 2024-05-01. Review status: criteria provided, single submitter. Criteria: CeGaT Center For Human Genetics Tuebingen Variant Classification Criteria Version 2. Collection method: clinical testing. Allele origin: germline. Affected: yes. Observed: 2 variant alleles.
Comment: PIK3R2: BP4, BP7

PreventionGenetics, part of Exact Sciences
Classification: Likely benign for PIK3R2-related condition. Last evaluated: 2019-05-17. Review status: no assertion criteria provided. Collection method: clinical testing. Allele origin: germline. Not counted in ClinVar's aggregate classification.
Comment: This variant is classified as likely benign based on ACMG/AMP sequence variant interpretation guidelines (Richards et al. 2015 PMID: 25741868, with internal and published modifications).